The following is an entry in ClinVar:

ClinVar aggregate classification (germline): Uncertain significance (1 of 4 stars; one submission).

Conditions:
Amyotrophic lateral sclerosis type 21. Also called: VOCAL CORD AND PHARYNGEAL DYSFUNCTION WITH DISTAL MYOPATHY; MYOPATHY, DISTAL, 2. Identifiers: Orphanet 600, Orphanet 803, MedGen C3807521, MONDO:0011632, OMIM 606070.

gnomAD v4.1: 8 of 1,614,102 alleles (0.0005%); highest among the groups gnomAD compares: Non-Finnish European, 0.00068%; no homozygotes.

Submission:

Labcorp Genetics (formerly Invitae), Labcorp
Classification: Uncertain significance for Amyotrophic lateral sclerosis type 21. Last evaluated: 2025-02-09. Review status: criteria provided, single submitter. Criteria: Invitae Variant Classification Sherloc (09022015). Collection method: clinical testing. Allele origin: germline.
Comment: This sequence change replaces glutamine, which is neutral and polar, with histidine, which is basic and polar, at codon 492 of the MATR3 protein (p.Gln492His). This variant is present in population databases (rs765808157, gnomAD 0.004%). This variant has not been reported in the literature in individuals affected with MATR3-related conditions. Invitae Evidence Modeling of protein sequence and biophysical properties (such as structural, functional, and spatial information, amino acid conservation, physicochemical variation, residue mobility, and thermodynamic stability) indicates that this missense variant is not expected to disrupt MATR3 protein function with a negative predictive value of 80%. In summary, the available evidence is currently insufficient to determine the role of this variant in disease. Therefore, it has been classified as a Variant of Uncertain Significance.

NM_018834.6(MATR3):c.1476A>C (p.Gln492His)

Gene: MATR3 (matrin 3; plus strand). Cytogenetic location: 5q31.2.
Variant type: single nucleotide variant.
Coding change: c.1476A>C on transcript NM_018834.6 (MANE Select); coding-DNA position 1476, A replaced by C.
Protein change: p.Gln492His; replaces glutamine 492 with histidine.
Molecular consequence: missense variant.
Genome position (GRCh38, 1-based): chr5:139,319,375, A>C. VCF-style: chr5-139319375-A-C. GRCh37 (hg19) VCF-style: chr5-138655064-A-C.
Other names: c.1476A>C, p.Gln492His (NM_001194954.2, NM_001194955.2, NM_001400441.1 and 16 more transcripts); c.612A>C, p.Gln204His (NM_001194956.2); c.462A>C, p.Gln154His (NM_001282278.2, NM_001400460.1, NM_001400462.1 and 5 more transcripts); c.615A>C, p.Gln205His (NM_001400459.1); c.576A>C, p.Gln192His (NM_001400461.1); short protein forms Q492H, Q204H, Q192H, Q154H, Q205H.
Identifiers: ClinVar variation 4750270 (VCV004750270.1).
Genomic context (GRCh38, chr5:139,319,375, plus strand): 5'-TTGTTGTTATTTATTAAAGAAACCTGAAGGAAAGCCAGATCAGAAGTTTGATCAAAAGCA[A>C]GAGCTTGGACGTGTGATACATCTCAGCAATTTGCCGCATTCTGGCTATTCTGATAGTGCT-3'
Protein context (NP_061322.2, residues 482-502): GKPDQKFDQK[Gln492His]ELGRVIHLSN